The following is an entry in ClinVar:

ClinVar aggregate classification (germline): Uncertain significance (1 of 4 stars; one submission).

Conditions:
Cornelia de Lange syndrome 4 (CDLS4). Also called: CORNELIA DE LANGE SYNDROME 4 WITH OR WITHOUT MIDLINE BRAIN DEFECTS; RAD21-Related Cornelia de Lange Syndrome. Identifiers: Orphanet 199, MedGen C3553517, MONDO:0013864, OMIM 614701.

Allele frequency attached by ClinVar (database versions not stated): gnomAD 0.00001; gnomAD exomes 0.00001; ExAC 0.00002.
gnomAD v4.1: 17 of 1,596,714 alleles (0.0011%); highest among the groups gnomAD compares: South Asian, 0.0034%; no homozygotes.

Submission:

Labcorp Genetics (formerly Invitae), Labcorp
Classification: Uncertain significance for Cornelia de Lange syndrome 4. Last evaluated: 2023-11-21. Review status: criteria provided, single submitter. Criteria: Invitae Variant Classification Sherloc (09022015). Collection method: clinical testing. Allele origin: germline.
Comment: This sequence change replaces methionine, which is neutral and non-polar, with valine, which is neutral and non-polar, at codon 290 of the RAD21 protein (p.Met290Val). This variant is present in population databases (rs761253664, gnomAD 0.007%). This variant has not been reported in the literature in individuals affected with RAD21-related conditions. Advanced modeling of protein sequence and biophysical properties (such as structural, functional, and spatial information, amino acid conservation, physicochemical variation, residue mobility, and thermodynamic stability) performed at Invitae indicates that this missense variant is not expected to disrupt RAD21 protein function with a negative predictive value of 80%. In summary, the available evidence is currently insufficient to determine the role of this variant in disease. Therefore, it has been classified as a Variant of Uncertain Significance.

NM_006265.3(RAD21):c.868A>G (p.Met290Val)

Gene: RAD21 (RAD21 cohesin complex component; minus strand). Cytogenetic location: 8q24.11.
Variant type: single nucleotide variant.
Coding change: c.868A>G on transcript NM_006265.3 (MANE Select); coding-DNA position 868, A replaced by G.
Protein change: p.Met290Val; replaces methionine 290 with valine.
Molecular consequence: missense variant.
Genome position (GRCh38, 1-based): chr8:116,856,235, T>C on the plus strand (A>G on the coding strand, the complement: RAD21 is on the minus strand). VCF-style: chr8-116856235-T-C. GRCh37 (hg19) VCF-style: chr8-117868474-T-C.
Other names: short protein forms M290V.
Identifiers: ClinVar variation 2756045 (VCV002756045.3), dbSNP rs761253664, ClinGen allele CA4852960.